The following is an entry in ClinVar:

ClinVar aggregate classification (germline): Uncertain significance (1 of 4 stars; one submission).

Conditions:
GNAS-related disorder. Identifiers: MedGen CN380105.

Allele frequency attached by ClinVar (database versions not stated): gnomAD 0.00002; TOPMed 0.00004.
gnomAD v4.1: 46 of 1,612,548 alleles (0.0029%); highest among the groups gnomAD compares: Admixed American, 0.0067%; no homozygotes.

Submission:

PreventionGenetics, part of Exact Sciences
Classification: Uncertain significance for GNAS-related condition. Last evaluated: 2025-07-16. Review status: criteria provided, single submitter. Criteria: ACMG Guidelines, 2015. Collection method: clinical testing. Allele origin: germline.
Comment: The GNAS c.701C>T variant is predicted to result in the amino acid substitution p.Pro234Leu. Of note, this variant is also referred to as c.-50920C>T in the more commonly reported isoform, NM_000516. To our knowledge, this variant has not been reported in the literature. This variant is reported in 0.0029% of alleles in individuals of Latino descent in gnomAD. At this time, the clinical significance of this variant is uncertain due to the absence of conclusive functional and genetic evidence.

NM_016592.5(GNAS):c.701C>T (p.Pro234Leu)

Genes: GNAS (GNAS complex locus; plus strand), GNAS-AS1 (GNAS antisense RNA 1; minus strand). Cytogenetic location: 20q13.32.
Variant type: single nucleotide variant.
Coding change: c.701C>T on transcript NM_016592.5 (MANE Plus Clinical); coding-DNA position 701, C replaced by T.
Protein change: p.Pro234Leu; replaces proline 234 with leucine.
Molecular consequence: missense variant. On other transcripts: 5 prime UTR variant (1).
Genome position (GRCh38, 1-based): chr20:58,840,807, C>T. VCF-style: chr20-58840807-C-T. GRCh37 (hg19) VCF-style: chr20-57415862-C-T.
Other names: c.-37C>T (NM_001410912.1); short protein forms P234L.
Identifiers: ClinVar variation 2634213 (VCV002634213.4), dbSNP rs761327919, ClinGen allele CA409453433.
Genomic context (GRCh38, chr20:58,840,807, plus strand): 5'-AGCAGCGGCGTCGCTGCAAGCCAAAGAAGCCCACCCGCCGTGACGCGTCCCCGGAGTCCC[C>T]TTCCAAAAAGGGACCCATCCCCATCCGGCGTCACTAATGGAGGACGCCGTCCAGATTCTC-3'
Protein context (NP_057676.1, residues 224-244): PTRRDASPES[Pro234Leu]SKKGPIPIRR